The following is an entry in ClinVar:

NM_016553.5(NUP62):c.237G>A (p.Ala79=)

Genes: IL4I1 (interleukin 4 induced 1; minus strand), NUP62 (nucleoporin 62; minus strand). Cytogenetic location: 19q13.33.
Variant type: single nucleotide variant.
Coding change: c.237G>A on transcript NM_016553.5 (MANE Select); coding-DNA position 237, G replaced by A.
Protein change: p.Ala79=; no amino-acid change (alanine 79 retained).
Molecular consequence: synonymous variant. On other transcripts: intron variant (3).
Genome position (GRCh38, 1-based): chr19:49,909,571, C>T on the plus strand (G>A on the coding strand, the complement: NUP62 is on the minus strand). VCF-style: chr19-49909571-C-T. GRCh37 (hg19) VCF-style: chr19-50412828-C-T.
Other names: c.237G>A, p.Ala79= (NM_001193357.2, NM_012346.5, NM_153718.4 and 1 more transcripts); c.-227-5250G>A (NM_001258017.2, NM_172374.3); c.-285-5250G>A (NM_001258018.2).
Identifiers: ClinVar variation 2074342 (VCV002074342.5), dbSNP rs140145985, ClinGen allele CA9589179.

ClinVar aggregate classification (germline): Likely benign. Review status: criteria provided, single submitter (1 of 4 stars). 2 submissions from 2 submitters: Likely benign (1). 1 of the submissions does not count toward it. Last evaluated 2025-05-12.

Conditions:
NUP62-related disorder. Also called: NUP62-related condition.

Allele frequency attached by ClinVar (database versions not stated): 1000 Genomes Project 30x 0.00016; 1000 Genomes Project 0.00020; ESP Exome Variant Server 0.00031; gnomAD 0.00013; TOPMed 0.00013; gnomAD exomes 0.00004; ExAC 0.00003.
gnomAD v4.1: 74 of 1,614,150 alleles (0.0046%); highest among the groups gnomAD compares: African/African-American, 0.036%; no homozygotes.

Submissions (2):

Labcorp Genetics (formerly Invitae), Labcorp
Classification: Likely benign. Last evaluated: 2025-05-12. Review status: criteria provided, single submitter. Criteria: Invitae Variant Classification Sherloc (09022015). Collection method: clinical testing. Allele origin: germline.

PreventionGenetics, part of Exact Sciences
Classification: Likely benign for NUP62-related condition. Last evaluated: 2019-09-11. Review status: no assertion criteria provided. Collection method: clinical testing. Allele origin: germline. Not counted in ClinVar's aggregate classification.
Comment: This variant is classified as likely benign based on ACMG/AMP sequence variant interpretation guidelines (Richards et al. 2015 PMID: 25741868, with internal and published modifications).